The following is an entry in ClinVar:

ClinVar aggregate classification (germline): Uncertain significance (0 of 4 stars; one submission).

Conditions:
BAZ2B-related disorder. Also called: BAZ2B-related condition.

Allele frequency attached by ClinVar (database versions not stated): gnomAD exomes below 0.00001.
gnomAD v4.1: 5 of 1,614,012 alleles (0.00031%); highest among the groups gnomAD compares: Non-Finnish European, 0.00042%; no homozygotes.

Submission:

PreventionGenetics, part of Exact Sciences
Classification: Uncertain significance for BAZ2B-related condition. Last evaluated: 2023-11-21. Review status: no assertion criteria provided. Collection method: clinical testing. Allele origin: germline.
Comment: The BAZ2B c.2111C>T variant is predicted to result in the amino acid substitution p.Ala704Val. To our knowledge, this variant has not been reported in the literature or in a large population database, indicating this variant is rare. At this time, the clinical significance of this variant is uncertain due to the absence of conclusive functional and genetic evidence.

NM_013450.4(BAZ2B):c.2117C>T (p.Ala706Val)

Gene: BAZ2B (bromodomain adjacent to zinc finger domain 2B; minus strand). Cytogenetic location: 2q24.2.
Variant type: single nucleotide variant.
Coding change: c.2117C>T on transcript NM_013450.4 (MANE Select); coding-DNA position 2117, C replaced by T.
Protein change: p.Ala706Val; replaces alanine 706 with valine.
Molecular consequence: missense variant.
Genome position (GRCh38, 1-based): chr2:159,430,940, G>A on the plus strand (C>T on the coding strand, the complement: BAZ2B is on the minus strand). VCF-style: chr2-159430940-G-A. GRCh37 (hg19) VCF-style: chr2-160287451-G-A.
Other names: c.2111C>T, p.Ala704Val (NM_001289975.1); c.1928C>T, p.Ala643Val (NM_001329857.2); c.2117C>T, p.Ala706Val (NM_001329858.2); short protein forms A643V, A704V, A706V.
Identifiers: ClinVar variation 3046780 (VCV003046780.2), dbSNP rs2546823143, ClinGen allele CA348937075.
Genomic context (GRCh38, chr2:159,430,940, plus strand): 5'-GTAAGTGTGGAAGAAGATGTACCAAGAAAAGCAGGTGACTGGGATTCAGAACATAAGGCA[G>A]CAGGAGCAGAGCCTGGGGCTTTTGCTATGTGGAGGTTACGAGGTGTTGAGTGACCTGTGA-3'
Protein context (NP_038478.2, residues 696-716): HIAKAPGSAP[Ala706Val]ALCSESQSPA